The following is an entry in ClinVar:

ClinVar aggregate classification (germline): Uncertain significance (1 of 4 stars; one submission).

Conditions:
Hereditary cancer-predisposing syndrome. Also called: Neoplastic Syndromes, Hereditary; Tumor predisposition; Hereditary neoplastic syndrome; Hereditary Cancer Syndrome. Identifiers: Orphanet 140162, MedGen C0027672, MeSH D009386, MONDO:0015356.

Submission:

Ambry Genetics
Classification: Uncertain significance for Hereditary cancer-predisposing syndrome. Last evaluated: 2023-02-17. Review status: criteria provided, single submitter. Criteria: Ambry Variant Classification Scheme 2023. Collection method: clinical testing. Allele origin: germline.
Comment: The p.P1402T variant (also known as c.4204C>A), located in coding exon 23 of the PTCH1 gene, results from a C to A substitution at nucleotide position 4204. The proline at codon 1402 is replaced by threonine, an amino acid with highly similar properties. This amino acid position is conserved. In addition, this alteration is predicted to be tolerated by in silico analysis. Since supporting evidence is limited at this time, the clinical significance of this alteration remains unclear.

NM_000264.5(PTCH1):c.4204C>A (p.Pro1402Thr)

Gene: PTCH1 (patched 1; minus strand). Cytogenetic location: 9q22.32.
Variant type: single nucleotide variant.
Coding change: c.4204C>A on transcript NM_000264.5 (MANE Select); coding-DNA position 4204, C replaced by A.
Protein change: p.Pro1402Thr; replaces proline 1402 with threonine.
Molecular consequence: missense variant. On other transcripts: non-coding transcript variant (1).
Genome position (GRCh38, 1-based): chr9:95,447,052, G>T on the plus strand (C>A on the coding strand, the complement: PTCH1 is on the minus strand). VCF-style: chr9-95447052-G-T. GRCh37 (hg19) VCF-style: chr9-98209334-G-T.
Other names: c.4006C>A, p.Pro1336Thr (NM_001083602.3); c.4201C>A, p.Pro1401Thr (NM_001083603.3); c.3751C>A, p.Pro1251Thr (NM_001083604.3, NM_001083605.3, NM_001083606.3 and 1 more transcripts); c.4048C>A, p.Pro1350Thr (NM_001354918.2); short protein forms P1336T, P1401T, P1251T, P1350T, P1402T.
Identifiers: ClinVar variation 2449683 (VCV002449683.2), dbSNP rs2136573414, ClinGen allele CA374110125.